The following is an entry in ClinVar:

NM_006363.6(SEC23B):c.1015C>T (p.Arg339Ter)

Gene: SEC23B (SEC23 homolog B, COPII component; plus strand). Cytogenetic location: 20p11.23.
Variant type: single nucleotide variant.
Coding change: c.1015C>T on transcript NM_006363.6 (MANE Select); coding-DNA position 1015, C replaced by T.
Protein change: p.Arg339Ter; replaces arginine 339 with a stop codon.
Molecular consequence: nonsense.
Genome position (GRCh38, 1-based): chr20:18,527,517, C>T. VCF-style: chr20-18527517-C-T. GRCh37 (hg19) VCF-style: chr20-18508161-C-T.
Other names: c.1015C>T, p.Arg339Ter (NM_001172745.3, NM_032985.6, NM_032986.5); c.961C>T, p.Arg321Ter (NM_001172746.3); short protein forms R321*, R339*.
Identifiers: ClinVar variation 2925278 (VCV002925278.4), dbSNP rs368960604, ClinGen allele CA9778201.
Genomic context (GRCh38, chr20:18,527,517, plus strand): 5'-TGTCACTGTTTCCTAAAGATAGCTTTCCTCTCTTCACAGCACTATGAGATGCTTGCTAAT[C>T]GAACAGCTGCAAATGGTCACTGCATTGATATTTATGCTTGTGCCCTTGATCAAACTGGAC-3'

ClinVar aggregate classification (germline): Pathogenic. Review status: criteria provided, multiple submitters, no conflicts (2 of 4 stars). 2 submissions from 2 submitters: Pathogenic (2). Last evaluated 2025-06-12.

Conditions:
Congenital dyserythropoietic anemia, type II (CDAN2). Also called: DYSERYTHROPOIETIC ANEMIA, HEMPAS TYPE. Identifiers: Orphanet 98873, MedGen C1306589, MONDO:0009134, OMIM 224100.
Cowden syndrome 7 (CWS7). Identifiers: Orphanet 201, MedGen C4225179, MONDO:0014802, OMIM 616858.

Allele frequency attached by ClinVar (database versions not stated): gnomAD 0.00001; ExAC 0.00003.
gnomAD v4.1: 22 of 1,611,098 alleles (0.0014%); highest among the groups gnomAD compares: East Asian, 0.0022%; no homozygotes.

Submissions (2):

Labcorp Genetics (formerly Invitae), Labcorp
Classification: Pathogenic for Congenital dyserythropoietic anemia, type II; Cowden syndrome 7. Last evaluated: 2025-06-12. Review status: criteria provided, single submitter. Criteria: Invitae Variant Classification Sherloc (09022015). Collection method: clinical testing. Allele origin: germline.
Comment: This sequence change creates a premature translational stop signal (p.Arg339*) in the SEC23B gene. It is expected to result in an absent or disrupted protein product. Loss-of-function variants in SEC23B are known to be pathogenic (PMID: 19561605, 25044164). This variant is present in population databases (rs368960604, gnomAD 0.004%). This premature translational stop signal has been observed in individual(s) with congenital dyserythropoietic anemia type II (PMID: 20941788). ClinVar contains an entry for this variant (Variation ID: 2925278). Algorithms developed to predict the effect of sequence changes on RNA splicing suggest that this variant may disrupt the consensus splice site. For these reasons, this variant has been classified as Pathogenic.

Revvity Omics, Revvity
Classification: Pathogenic. Last evaluated: 2024-12-20. Review status: criteria provided, single submitter. Criteria: ACMG Guidelines, 2015. Collection method: clinical testing. Allele origin: germline.

Literature cited by the submitters: PubMed 19561605 (cited by Labcorp Genetics (formerly Invitae), Labcorp); PubMed 25044164 (cited by Labcorp Genetics (formerly Invitae), Labcorp); PubMed 20941788 (cited by Labcorp Genetics (formerly Invitae), Labcorp).